The following is an entry in ClinVar:

ClinVar aggregate classification (germline): Uncertain significance (1 of 4 stars; one submission).

Submission:

GeneDx
Classification: Uncertain significance. Last evaluated: 2024-03-18. Review status: criteria provided, single submitter. Criteria: GeneDx Variant Classification Process June 2021. Collection method: clinical testing. Allele origin: germline. Affected: yes.
Comment: Not observed at significant frequency in large population cohorts (gnomAD); In silico analysis supports that this missense variant has a deleterious effect on protein structure/function; Has not been previously published as pathogenic or benign to our knowledge

NM_001273.5(CHD4):c.5543C>T (p.Ala1848Val)

Genes: CHD4 (chromodomain helicase DNA binding protein 4; minus strand), CHD4-AS1 (CHD4 antisense RNA 1; plus strand). Cytogenetic location: 12p13.31.
Variant type: single nucleotide variant.
Coding change: c.5543C>T on transcript NM_001273.5 (MANE Select); coding-DNA position 5543, C replaced by T.
Protein change: p.Ala1848Val; replaces alanine 1848 with valine.
Molecular consequence: missense variant.
Genome position (GRCh38, 1-based): chr12:6,573,088, G>A on the plus strand (C>T on the coding strand, the complement: CHD4 is on the minus strand). VCF-style: chr12-6573088-G-A. GRCh37 (hg19) VCF-style: chr12-6682254-G-A.
Other names: c.5522C>T, p.Ala1841Val (NM_001297553.2); c.5510C>T, p.Ala1837Val (NM_001363606.2); short protein forms A1837V, A1841V, A1848V.
Identifiers: ClinVar variation 1693088 (VCV001693088.3), dbSNP rs2136191495, ClinGen allele CA383635557.
Genomic context (GRCh38, chr12:6,573,088, plus strand): 5'-GATCAGGGAGGCCGAATCGGCAGGAGGCAGGGGAGCCACTGGCTACCTTTGTGCAGGACT[G>A]CATTGGCTGGCTTGTTTCCTGCCATTGACTCCTTGGACAGGTGCTGATGACTTTCCGCCA-3'
Protein context (NP_001264.2, residues 1838-1858): ESMAGNKPAN[Ala1848Val]VLHKVLKQLE